The following is an entry in ClinVar:

ClinVar aggregate classification (germline): Uncertain significance (1 of 4 stars; one submission).

Submission:

GeneDx
Classification: Uncertain significance. Last evaluated: 2026-02-11. Review status: criteria provided, single submitter. Criteria: GeneDx Variant Classification Process June 2021. Collection method: clinical testing. Allele origin: germline.
Comment: Not observed at significant frequency in large population cohorts (gnomAD); In silico analysis supports that this missense variant has a deleterious effect on protein structure/function; Has not been previously published as pathogenic or benign to our knowledge

NM_183357.3(ADCY5):c.1646C>G (p.Ser549Trp)

Gene: ADCY5 (adenylate cyclase 5; minus strand). Cytogenetic location: 3q21.1.
Variant type: single nucleotide variant.
Coding change: c.1646C>G on transcript NM_183357.3 (MANE Select); coding-DNA position 1646, C replaced by G.
Protein change: p.Ser549Trp; replaces serine 549 with tryptophan.
Molecular consequence: missense variant.
Genome position (GRCh38, 1-based): chr3:123,330,889, G>C on the plus strand (C>G on the coding strand, the complement: ADCY5 is on the minus strand). VCF-style: chr3-123330889-G-C. GRCh37 (hg19) VCF-style: chr3-123049736-G-C.
Other names: c.596C>G, p.Ser199Trp (NM_001199642.1); c.1646C>G, p.Ser549Trp (NM_001378259.1); short protein forms S199W, S549W.
Identifiers: ClinVar variation 4976361 (VCV004976361.1).